The following is an entry in ClinVar:

ClinVar aggregate classification (germline): Uncertain significance. Review status: criteria provided, multiple submitters, no conflicts (2 of 4 stars). 4 submissions from 4 submitters: Uncertain significance (4). Last evaluated 2026-02-03.

Conditions:
Lynch syndrome. Identifiers: Orphanet 144, MedGen C4552100, MONDO:0005835. Disease mechanism: loss of function.
Hereditary nonpolyposis colorectal neoplasms. Identifiers: MedGen C0009405, MeSH D003123.
Hereditary cancer-predisposing syndrome. Also called: Neoplastic Syndromes, Hereditary; Tumor predisposition; Hereditary Cancer Syndrome; Hereditary neoplastic syndrome. Identifiers: Orphanet 140162, MedGen C0027672, MeSH D009386, MONDO:0015356.

gnomAD v4.1: 1 of 1,604,814 alleles (0.000062%); highest among the groups gnomAD compares: Non-Finnish European, 0.000085%; no homozygotes.

Submissions (4):

Labcorp Genetics (formerly Invitae), Labcorp
Classification: Uncertain significance for Hereditary nonpolyposis colorectal neoplasms. Last evaluated: 2026-02-03. Review status: criteria provided, single submitter. Criteria: Invitae Variant Classification Sherloc (09022015). Collection method: clinical testing. Allele origin: germline.
Comment: This sequence change replaces proline, which is neutral and non-polar, with histidine, which is basic and polar, at codon 246 of the PMS2 protein (p.Pro246His). This variant is not present in population databases (gnomAD no frequency). This variant has not been reported in the literature in individuals affected with PMS2-related conditions. ClinVar contains an entry for this variant (Variation ID: 920882). Invitae Evidence Modeling incorporating data from in vitro experimental studies (internal data) indicates that this missense variant is not expected to disrupt PMS2 function with a negative predictive value of 95%. In summary, the available evidence is currently insufficient to determine the role of this variant in disease. Therefore, it has been classified as a Variant of Uncertain Significance.

Ambry Genetics
Classification: Uncertain significance for Hereditary cancer-predisposing syndrome. Last evaluated: 2025-05-23. Review status: criteria provided, single submitter. Criteria: Ambry Variant Classification Scheme 2023. Collection method: clinical testing. Allele origin: germline.
Comment: The p.P246H variant (also known as c.737C>A), located in coding exon 7 of the PMS2 gene, results from a C to A substitution at nucleotide position 737. The proline at codon 246 is replaced by histidine, an amino acid with similar properties. This amino acid position is conserved. In addition, the in silico prediction for this alteration is inconclusive. Since supporting evidence is limited at this time, the clinical significance of this alteration remains unclear.

All of Us Research Program, National Institutes of Health
Classification: Uncertain significance for Lynch syndrome. Last evaluated: 2024-07-29. Review status: criteria provided, single submitter. Criteria: ACMG Guidelines, 2015. Collection method: clinical testing. Allele origin: germline. Inheritance: Autosomal dominant inheritance. Observed: 1 variant allele, 1 heterozygote.
Comment: This missense variant replaces proline with histidine at codon 246 of the PMS2 protein. Computational prediction is inconclusive regarding the impact of this variant on protein structure and function (internally defined REVEL score threshold 0.5 < inconclusive < 0.7, PMID: 27666373). To our knowledge, functional studies have not been reported for this variant. This variant has not been reported in individuals affected with PMS2-related disorders in the literature. This variant has not been identified in the general population by the Genome Aggregation Database (gnomAD). The available evidence is insufficient to determine the role of this variant in disease conclusively. Therefore, this variant is classified as a Variant of Uncertain Significance.

This study involves interpretation of variants in research participants for the purpose of population health screening. Participant phenotype was not available at the time of variant classification. Additional details can be found in publication PMID: 35346344, PMCID: PMC8962531

Color Diagnostics, LLC DBA Color Health
Classification: Uncertain significance for Hereditary cancer-predisposing syndrome. Last evaluated: 2024-03-07. Review status: criteria provided, single submitter. Criteria: ACMG Guidelines, 2015. Collection method: clinical testing. Allele origin: germline.
Comment: This missense variant replaces proline with histidine at codon 246 of the PMS2 protein. Computational prediction is inconclusive regarding the impact of this variant on protein structure and function (internally defined REVEL score threshold 0.5 < inconclusive < 0.7, PMID: 27666373). To our knowledge, functional studies have not been reported for this variant. This variant has not been reported in individuals affected with PMS2-related disorders in the literature. This variant has not been identified in the general population by the Genome Aggregation Database (gnomAD). The available evidence is insufficient to determine the role of this variant in disease conclusively. Therefore, this variant is classified as a Variant of Uncertain Significance.

NM_000535.7(PMS2):c.737C>A (p.Pro246His)

Gene: PMS2 (PMS1 homolog 2, mismatch repair system component; minus strand). Cytogenetic location: 7p22.1.
Variant type: single nucleotide variant.
Coding change: c.737C>A on transcript NM_000535.7 (MANE Select); coding-DNA position 737, C replaced by A.
Protein change: p.Pro246His; replaces proline 246 with histidine.
Molecular consequence: missense variant. On other transcripts: 5 prime UTR variant (2), non-coding transcript variant (1).
Genome position (GRCh38, 1-based): chr7:5,997,392, G>T on the plus strand (C>A on the coding strand, the complement: PMS2 is on the minus strand). VCF-style: chr7-5997392-G-T. GRCh37 (hg19) VCF-style: chr7-6037023-G-T.
Other names: c.332C>A, p.Pro111His (NM_001322003.2, NM_001322004.2, NM_001322005.2 and 2 more transcripts); c.737C>A, p.Pro246His (NM_001322006.2, NM_001322014.2); c.419C>A, p.Pro140His (NM_001322007.2, NM_001322008.2); c.-197C>A (NM_001322011.2, NM_001322012.2); c.164C>A, p.Pro55His (NM_001322013.2); c.428C>A, p.Pro143His (NM_001322015.2); short protein forms P55H, P140H, P143H, P111H, P246H.
Identifiers: ClinVar variation 920882 (VCV000920882.11), dbSNP rs1562670885, ClinGen allele CA366743738.